The following is an entry in ClinVar:

NM_001267550.2(TTN):c.42400C>T (p.Arg14134Trp)

Gene: TTN (titin; minus strand). Cytogenetic location: 2q31.2.
Variant type: single nucleotide variant.
Coding change: c.42400C>T on transcript NM_001267550.2 (MANE Select); coding-DNA position 42400, C replaced by T.
Protein change: p.Arg14134Trp; replaces arginine 14134 with tryptophan.
Molecular consequence: missense variant.
Genome position (GRCh38, 1-based): chr2:178,634,381, G>A on the plus strand (C>T on the coding strand, the complement: TTN is on the minus strand). VCF-style: chr2-178634381-G-A. GRCh37 (hg19) VCF-style: chr2-179499108-G-A.
Other names: c.37477C>T, p.Arg12493Trp (NM_001256850.1); c.15205C>T, p.Arg5069Trp (NM_003319.4); c.34696C>T, p.Arg11566Trp (NM_133378.4); c.15580C>T, p.Arg5194Trp (NM_133432.3); c.15781C>T, p.Arg5261Trp (NM_133437.4); short protein forms R11566W, R12493W, R14134W, R5069W, R5194W, R5261W.
Identifiers: ClinVar variation 4891206 (VCV004891206.1).

ClinVar aggregate classification (germline): Uncertain significance (1 of 4 stars; one submission).

gnomAD v4.1: 43 of 1,607,728 alleles (0.0027%); highest among the groups gnomAD compares: Admixed American, 0.015%; no homozygotes.

Submission:

Greenwood Genetic Center Diagnostic Laboratories, Greenwood Genetic Center
Classification: Uncertain significance. Last evaluated: 2026-04-09. Review status: criteria provided, single submitter. Criteria: ACMG Guidelines, 2015. Collection method: clinical testing. Allele origin: germline.
Comment: PM2, BP4, PP2